The following is an entry in ClinVar:

ClinVar aggregate classification (germline): Uncertain significance (1 of 4 stars; one submission).

Submission:

Labcorp Genetics (formerly Invitae), Labcorp
Classification: Uncertain significance. Last evaluated: 2025-06-24. Review status: criteria provided, single submitter. Criteria: Invitae Variant Classification Sherloc (09022015). Collection method: clinical testing. Allele origin: germline.
Comment: This sequence change replaces glycine, which is neutral and non-polar, with arginine, which is basic and polar, at codon 641 of the GREB1L protein (p.Gly641Arg). This variant is not present in population databases (gnomAD no frequency). This variant has not been reported in the literature in individuals affected with GREB1L-related conditions. An algorithm developed to predict the effect of missense changes on protein structure and function (PolyPhen-2) suggests that this variant is likely to be disruptive. In summary, the available evidence is currently insufficient to determine the role of this variant in disease. Therefore, it has been classified as a Variant of Uncertain Significance.

NM_001142966.3(GREB1L):c.1921G>A (p.Gly641Arg)

Gene: GREB1L (GREB1 like retinoic acid receptor coactivator; plus strand). Cytogenetic location: 18q11.1.
Variant type: single nucleotide variant.
Coding change: c.1921G>A on transcript NM_001142966.3 (MANE Select); coding-DNA position 1921, G replaced by A.
Protein change: p.Gly641Arg; replaces glycine 641 with arginine.
Molecular consequence: missense variant.
Genome position (GRCh38, 1-based): chr18:21,452,154, G>A. VCF-style: chr18-21452154-G-A. GRCh37 (hg19) VCF-style: chr18-19032115-G-A.
Other names: c.2050G>A, p.Gly684Arg (NM_001410867.1); c.1594G>A, p.Gly532Arg (NM_001410868.1); short protein forms G641R, G532R, G684R.
Identifiers: ClinVar variation 4711133 (VCV004711133.1).
Genomic context (GRCh38, chr18:21,452,154, plus strand): 5'-GACAAGCTGCTGGAAAAAATGCAACAAAGAAGAGGAGACAGTGTGGTTACCCCTTTCGAT[G>A]GAGACCTTAATGAATGTGTGTCACCCCAGGAGGCTGCTGCTATGATTCCCACACAAAACC-3'
Protein context (NP_001136438.1, residues 631-651): RGDSVVTPFD[Gly641Arg]DLNECVSPQE